The following is an entry in ClinVar:

ClinVar aggregate classification (germline): Uncertain significance (1 of 4 stars; one submission).

Conditions:
Hereditary cancer-predisposing syndrome. Also called: Tumor predisposition; Hereditary neoplastic syndrome; Hereditary Cancer Syndrome; Neoplastic Syndromes, Hereditary. Identifiers: Orphanet 140162, MedGen C0027672, MeSH D009386, MONDO:0015356.

Submission:

Ambry Genetics
Classification: Uncertain significance for Hereditary cancer-predisposing syndrome. Last evaluated: 2025-05-22. Review status: criteria provided, single submitter. Criteria: Ambry Variant Classification Scheme 2023. Collection method: clinical testing. Allele origin: germline.
Comment: The p.L61P variant (also known as c.182T>C), located in coding exon 2 of the RAD51C gene, results from a T to C substitution at nucleotide position 182. The leucine at codon 61 is replaced by proline, an amino acid with similar properties. This amino acid position is conserved. In addition, this alteration is predicted to be deleterious by in silico analysis. Based on the available evidence, the clinical significance of this variant remains unclear.

NM_058216.3(RAD51C):c.182T>C (p.Leu61Pro)

Gene: RAD51C (RAD51 paralog C; plus strand). Cytogenetic location: 17q22.
Variant type: single nucleotide variant.
Coding change: c.182T>C on transcript NM_058216.3 (MANE Select); coding-DNA position 182, T replaced by C.
Protein change: p.Leu61Pro; replaces leucine 61 with proline.
Molecular consequence: missense variant. On other transcripts: non-coding transcript variant (2).
Genome position (GRCh38, 1-based): chr17:58,694,967, T>C. VCF-style: chr17-58694967-T-C. GRCh37 (hg19) VCF-style: chr17-56772328-T-C.
Other names: c.182T>C, p.Leu61Pro (NM_002876.4); short protein forms L61P.
Identifiers: ClinVar variation 3942350 (VCV003942350.1).